The following is an entry in ClinVar:

NM_001267550.2(TTN):c.27702T>C (p.Ile9234=)

Gene: TTN (titin; minus strand). Cytogenetic location: 2q31.2.
Variant type: single nucleotide variant.
Coding change: c.27702T>C on transcript NM_001267550.2 (MANE Select); coding-DNA position 27702, T replaced by C.
Protein change: p.Ile9234=; no amino-acid change (isoleucine 9234 retained).
Molecular consequence: synonymous variant. On other transcripts: intron variant (3).
Genome position (GRCh38, 1-based): chr2:178,712,128, A>G on the plus strand (T>C on the coding strand, the complement: TTN is on the minus strand). VCF-style: chr2-178712128-A-G. GRCh37 (hg19) VCF-style: chr2-179576855-A-G.
Other names: c.26751T>C, p.Ile8917= (NM_001256850.1); c.23970T>C, p.Ile7990= (NM_133378.4); c.13282+25954T>C (NM_003319.4); c.13858+25954T>C (NM_133437.4); c.13657+25954T>C (NM_133432.3).
Identifiers: ClinVar variation 96275 (VCV000096275.73), dbSNP rs143368674, ClinGen allele CA223913.

ClinVar aggregate classification (germline): Conflicting classifications of pathogenicity. Review status: criteria provided, conflicting classifications (1 of 4 stars). 21 submissions from 17 submitters: Uncertain significance (3); Benign (6); Likely benign (8). 4 of the submissions do not count toward it. Last evaluated 2026-09-01.

Conditions:
TTN-related disorder. Also called: TTN-related disorders; TTN-related condition; TTN-related disease.
Cardiovascular phenotype. Identifiers: MedGen CN230736.
Dilated cardiomyopathy 1G (CMD1G). Identifiers: Orphanet 154, MedGen C1858763, MONDO:0011400, OMIM 604145.
Autosomal recessive limb-girdle muscular dystrophy type 2J (LGMDR10). Also called: Limb-girdle muscular dystrophy, type 2J; MUSCULAR DYSTROPHY, LIMB-GIRDLE, AUTOSOMAL RECESSIVE 10. Identifiers: Orphanet 140922, MedGen C1837342, MONDO:0012127, OMIM 608807.
Cardiomyopathy (CMYO). Also called: Cardiomyopathies. Identifiers: Orphanet 167848, MedGen C0878544, MONDO:0004994, HP:0001638. Inheritance: Various modes of inheritance.
Early-onset myopathy with fatal cardiomyopathy (CMYO5). Also called: Salih Myopathy; CONGENITAL MYOPATHY 5 WITH CARDIOMYOPATHY. Identifiers: Orphanet 289377, MedGen C2673677, MONDO:0012714, OMIM 611705. Disease mechanism: loss of function.
Tibial muscular dystrophy (TMD). Also called: UDD MYOPATHY; Tibial muscular dystrophy, tardive; Udd Distal Myopathy – Tibial Muscular Dystrophy. Identifiers: Orphanet 609, MedGen C1838244, MONDO:0010870, OMIM 600334.
Myopathy, myofibrillar, 9, with early respiratory failure (MFM9). Also called: Hereditary myopathy with early respiratory failure; MYOPATHY, PROXIMAL, WITH EARLY RESPIRATORY MUSCLE INVOLVEMENT; Myopathy, distal, with early respiratory failure, autosomal dominant; EDSTROM MYOPATHY. Identifiers: Orphanet 178464, Orphanet 34521, MedGen C1863599, MONDO:0011362, OMIM 603689.

Allele frequency attached by ClinVar (database versions not stated): gnomAD 0.00074 and 0.00076; gnomAD exomes 0.00080 and 0.00099; ESP Exome Variant Server 0.00067; ExAC 0.00061; 1000 Genomes Project 0.00100; TOPMed 0.00078; 1000 Genomes Project 30x 0.00125.
gnomAD v4.1: 1,546 of 1,613,824 alleles (0.096%); highest among the groups gnomAD compares: Admixed American, 0.19%; no homozygotes.

Submissions (21):

CeGaT Center for Human Genetics Tuebingen
Classification: Likely benign. Last evaluated: 2026-09-01. Review status: criteria provided, single submitter. Criteria: CeGaT Center For Human Genetics Tuebingen Variant Classification Criteria Version 2. Collection method: clinical testing. Allele origin: germline. Affected: yes. Observed: 14 variant alleles.
Comment: TTN: BP4, BP7

Labcorp Genetics (formerly Invitae), Labcorp
Classification: Benign for Dilated cardiomyopathy 1G; Autosomal recessive limb-girdle muscular dystrophy type 2J. Last evaluated: 2026-02-01. Review status: criteria provided, single submitter. Criteria: Invitae Variant Classification Sherloc (09022015). Collection method: clinical testing. Allele origin: germline.

Molecular Diagnostic Laboratory for Inherited Cardiovascular Disease, Montreal Heart Institute
Classification: Likely benign. Last evaluated: 2025-04-09. Review status: criteria provided, single submitter. Criteria: ACMG Guidelines, 2015. Collection method: clinical testing. Allele origin: germline. Affected: no.

ARUP Laboratories, Molecular Genetics and Genomics, ARUP Laboratories
Classification: Likely benign. Last evaluated: 2024-12-07. Review status: criteria provided, single submitter. Criteria: ARUP Molecular Germline Variant Investigation Process 2024. Collection method: clinical testing. Allele origin: germline.

Blueprint Genetics
Classification: Likely benign. Last evaluated: 2024-11-19. Review status: criteria provided, single submitter. Criteria: ACMG Guidelines, 2015. Collection method: clinical testing. Allele origin: germline.

Women's Health and Genetics/Laboratory Corporation of America, LabCorp
Classification: Benign. Last evaluated: 2024-06-17. Review status: criteria provided, single submitter. Criteria: LabCorp Variant Classification Summary - May 2015. Collection method: clinical testing. Allele origin: germline.

Illumina Laboratory Services, Illumina
Classification: Benign for Myopathy, myofibrillar, 9, with early respiratory failure. Last evaluated: 2018-01-13. Review status: criteria provided, single submitter. Criteria: ICSL Variant Classification Criteria 13 December 2019. Collection method: clinical testing. Allele origin: germline.
Comment: This variant was observed in the ICSL laboratory as part of a predisposition screen in an ostensibly healthy population. It had not been previously curated by ICSL or reported in the Human Gene Mutation Database (HGMD: prior to June 1st, 2018), and was therefore a candidate for classification through an automated scoring system. Utilizing variant allele frequency, disease prevalence and penetrance estimates, and inheritance mode, an automated score was calculated to assess if this variant is too frequent to cause the disease. Based on the score and internal cut-off values, a variant classified as benign is not then subjected to further curation. The score for this variant resulted in a classification of benign for this disease.

Illumina Laboratory Services, Illumina
Classification: Uncertain significance for Autosomal recessive limb-girdle muscular dystrophy type 2J. Last evaluated: 2018-01-13. Review status: criteria provided, single submitter. Criteria: ICSL Variant Classification Criteria 13 December 2019. Collection method: clinical testing. Allele origin: germline.

Illumina Laboratory Services, Illumina
Classification: Uncertain significance for Early-onset myopathy with fatal cardiomyopathy. Last evaluated: 2018-01-13. Review status: criteria provided, single submitter. Criteria: ICSL Variant Classification Criteria 13 December 2019. Collection method: clinical testing. Allele origin: germline.

Illumina Laboratory Services, Illumina
Classification: Uncertain significance for Dilated cardiomyopathy 1G. Last evaluated: 2018-01-13. Review status: criteria provided, single submitter. Criteria: ICSL Variant Classification Criteria 13 December 2019. Collection method: clinical testing. Allele origin: germline.

Illumina Laboratory Services, Illumina
Classification: Benign for Tibial muscular dystrophy. Last evaluated: 2018-01-13. Review status: criteria provided, single submitter. Criteria: ICSL Variant Classification Criteria 13 December 2019. Collection method: clinical testing. Allele origin: germline.
Comment: the same text as in the submission from Illumina Laboratory Services, Illumina above.

CHEO Genetics Diagnostic Laboratory, Children's Hospital of Eastern Ontario
Classification: Likely benign for Cardiomyopathy. Last evaluated: 2017-04-26. Review status: criteria provided, single submitter. Criteria: ACMG Guidelines, 2015. Collection method: clinical testing. Allele origin: germline. Study: Canadian Open Genetics Repository.

Athena Diagnostics
Classification: Benign. Last evaluated: 2016-09-23. Review status: criteria provided, single submitter. Criteria: Athena Diagnostics Criteria. Collection method: clinical testing. Allele origin: germline.

Eurofins Ntd Llc (ga)
Classification: Likely benign. Last evaluated: 2016-07-19. Review status: criteria provided, single submitter. Criteria: EGL Classification Definitions 2015. Collection method: clinical testing. Allele origin: germline. Observed: 5 variant alleles, 5 heterozygotes.

Laboratory for Molecular Medicine, Mass General Brigham Personalized Medicine
Classification: Likely benign. Last evaluated: 2015-08-03. Review status: criteria provided, single submitter. Criteria: LMM Criteria. Collection method: clinical testing. Allele origin: germline. Observed: 2 variant alleles.
Comment: p.Ile7990Ile in exon 93 of TTN: This variant is not expected to have clinical si gnificance because it does not alter an amino acid residue and is not located wi thin the splice consensus sequence. It has been identified in 0.1% (14/11524) La tino chromosomes by the Exome Aggregation Consortium (ExAC; dbSNP rs143368674).

GeneDx
Classification: Benign. Last evaluated: 2014-03-10. Review status: criteria provided, single submitter. Criteria: GeneDx Variant Classification (06012015). Collection method: clinical testing. Allele origin: germline. Affected: yes.
Comment: This variant is considered likely benign or benign based on one or more of the following criteria: it is a conservative change, it occurs at a poorly conserved position in the protein, it is predicted to be benign by multiple in silico algorithms, and/or has population frequency not consistent with disease.

Ambry Genetics
Classification: Likely benign for Cardiovascular phenotype. Last evaluated: 2012-12-17. Review status: criteria provided, single submitter. Criteria: Ambry Autosomal Dominant and X-Linked criteria (10/2015). Collection method: clinical testing. Allele origin: germline. Observed: 1 variant allele.

PreventionGenetics, part of Exact Sciences
Classification: Likely benign for TTN-related condition. Last evaluated: 2024-03-07. Review status: no assertion criteria provided. Collection method: clinical testing. Allele origin: germline. Not counted in ClinVar's aggregate classification.
Comment: This variant is classified as likely benign based on ACMG/AMP sequence variant interpretation guidelines (Richards et al. 2015 PMID: 25741868, with internal and published modifications).

Clinical Genetics DNA and cytogenetics Diagnostics Lab, Erasmus MC, Erasmus Medical Center
Classification: Likely benign. Review status: no assertion criteria provided. Collection method: clinical testing. Allele origin: germline. Affected: yes. Study: VKGL Data-share Consensus. Not counted in ClinVar's aggregate classification.

Clinical Genetics, Academic Medical Center
Classification: Benign. Review status: no assertion criteria provided. Collection method: clinical testing. Allele origin: germline. Affected: yes. Study: VKGL Data-share Consensus. Not counted in ClinVar's aggregate classification.

Diagnostic Laboratory, Department of Genetics, University Medical Center Groningen
Classification: Likely benign. Review status: no assertion criteria provided. Collection method: clinical testing. Allele origin: germline. Affected: yes. Study: VKGL Data-share Consensus. Not counted in ClinVar's aggregate classification.